The following is an entry in ClinVar:

ClinVar aggregate classification (germline): Uncertain significance (1 of 4 stars; one submission).

Submission:

GeneDx
Classification: Uncertain significance. Last evaluated: 2024-12-03. Review status: criteria provided, single submitter. Criteria: GeneDx Variant Classification Process June 2021. Collection method: clinical testing. Allele origin: germline. Affected: yes.
Comment: Not observed at significant frequency in large population cohorts (gnomAD); In-frame deletion of 6 amino acids in a non-repeat region; Has not been previously published as pathogenic or benign to our knowledge

NM_021008.4(DEAF1):c.54_71del (p.19VAAAAA[1])

Gene: DEAF1 (DEAF1 transcription factor; minus strand). Cytogenetic location: 11p15.5.
Variant type: Deletion.
Coding change: c.54_71del on transcript NM_021008.4 (MANE Select); coding-DNA positions 54 to 71, 18 bases deleted (GGTGGCGGCCGCGGCCGC).
Protein change: p.19VAAAAA[1].
Molecular consequence: inframe deletion. On other transcripts: inframe indel (1), intron variant (1).
Genome position (GRCh38, 1-based): chr11:694,977-694,994, GCGGCCGCGGCCGCCACC deleted on the plus strand (GGTGGCGGCCGCGGCCGC on the coding strand, the reverse complement: DEAF1 is on the minus strand); deleting any 18 consecutive bases within chr11:694,977-694,996 gives the same sequence; the c. name uses the placement nearest the transcript's 3' end. VCF-style (leftmost placement, unchanged base first): chr11-694976-AGCGGCCGCGGCCGCCACC-A. GRCh37 (hg19) VCF-style: chr11-694976-AGCGGCCGCGGCCGCCACC-A.
Other names: c.52_69del18, p.Val25_Ala30del (NM_001293634.2); c.-437-3396_-437-3379del (NM_001367390.1).
Identifiers: ClinVar variation 3901827 (VCV003901827.1).